The following is an entry in ClinVar:

ClinVar aggregate classification (germline): Uncertain significance. Review status: criteria provided, multiple submitters, no conflicts (2 of 4 stars). 2 submissions from 2 submitters: Uncertain significance (2). Last evaluated 2023-08-03.

Conditions:
Melanoma, cutaneous malignant, susceptibility to, 5. Also called: Cutaneous malignant melanoma 5. Identifiers: Orphanet 618, MedGen C2751295, MONDO:0013133, OMIM 613099.

Allele frequency attached by ClinVar (database versions not stated): ExAC 0.00001; gnomAD exomes 0.00001; TOPMed 0.00002.

Submissions (2):

Labcorp Genetics (formerly Invitae), Labcorp
Classification: Uncertain significance for Melanoma, cutaneous malignant, susceptibility to, 5. Last evaluated: 2023-08-03. Review status: criteria provided, single submitter. Criteria: Invitae Variant Classification Sherloc (09022015). Collection method: clinical testing. Allele origin: germline.
Comment: In summary, the available evidence is currently insufficient to determine the role of this variant in disease. Therefore, it has been classified as a Variant of Uncertain Significance. Advanced modeling of protein sequence and biophysical properties (such as structural, functional, and spatial information, amino acid conservation, physicochemical variation, residue mobility, and thermodynamic stability) performed at Invitae indicates that this missense variant is not expected to disrupt MC1R protein function. ClinVar contains an entry for this variant (Variation ID: 856189). This missense change has been observed in individual(s) with melanoma (PMID: 21672182). This variant is present in population databases (rs781311501, gnomAD 0.006%). This sequence change replaces arginine, which is basic and polar, with glutamine, which is neutral and polar, at codon 213 of the MC1R protein (p.Arg213Gln).

Illumina Laboratory Services, Illumina
Classification: Uncertain significance for Melanoma, cutaneous malignant, susceptibility to, 5. Last evaluated: 2017-04-28. Review status: criteria provided, single submitter. Criteria: ICSL Variant Classification Criteria 13 December 2019. Collection method: clinical testing. Allele origin: germline.
Comment: This variant was observed as part of a predisposition screen in an ostensibly healthy population. A literature search was performed for the gene, cDNA change, and amino acid change (where applicable). Publications were found based on this search. However, the evidence from the literature, in combination with allele frequency data from public databases where available, was not sufficient to rule this variant in or out of causing disease. Therefore, this variant is classified as a variant of unknown significance.

Literature cited by the submitters: PubMed 21672182 (cited by Labcorp Genetics (formerly Invitae), Labcorp and Illumina Laboratory Services, Illumina); PubMed 25268584 (cited by Illumina Laboratory Services, Illumina).

NM_002386.4(MC1R):c.638G>A (p.Arg213Gln)

Gene: MC1R (melanocortin 1 receptor; plus strand). Cytogenetic location: 16q24.3.
Variant type: single nucleotide variant.
Coding change: c.638G>A on transcript NM_002386.4 (MANE Select); coding-DNA position 638, G replaced by A.
Protein change: p.Arg213Gln; replaces arginine 213 with glutamine.
Molecular consequence: missense variant.
Genome position (GRCh38, 1-based): chr16:89,919,896, G>A. VCF-style: chr16-89919896-G-A. GRCh37 (hg19) VCF-style: chr16-89986304-G-A.
Other names: short protein forms R213Q.
Identifiers: ClinVar variation 856189 (VCV000856189.12), dbSNP rs781311501, ClinGen allele CA8255694.